The following is an entry in ClinVar:

ClinVar aggregate classification (germline): Uncertain significance (1 of 4 stars; one submission).

Conditions:
Spastic paraplegia. Identifiers: MedGen C0037772, HP:0001258.

gnomAD v4.1: 3 of 1,207,575 alleles (0.00025%); highest among the groups gnomAD compares: African/African-American, 0.0035%; no homozygotes.

Submission:

Labcorp Genetics (formerly Invitae), Labcorp
Classification: Uncertain significance for Spastic paraplegia. Last evaluated: 2025-02-20. Review status: criteria provided, single submitter. Criteria: Invitae Variant Classification Sherloc (09022015). Collection method: clinical testing. Allele origin: germline.
Comment: This sequence change replaces lysine, which is basic and polar, with arginine, which is basic and polar, at codon 1114 of the KDM5C protein (p.Lys1114Arg). This variant is present in population databases (rs139475756, gnomAD 0.03%). This variant has not been reported in the literature in individuals affected with KDM5C-related conditions. Invitae Evidence Modeling of protein sequence and biophysical properties (such as structural, functional, and spatial information, amino acid conservation, physicochemical variation, residue mobility, and thermodynamic stability) indicates that this missense variant is not expected to disrupt KDM5C protein function with a negative predictive value of 95%. In summary, the available evidence is currently insufficient to determine the role of this variant in disease. Therefore, it has been classified as a Variant of Uncertain Significance.

NM_004187.5(KDM5C):c.3341A>G (p.Lys1114Arg)

Gene: KDM5C (lysine demethylase 5C; minus strand). Cytogenetic location: Xp11.22.
Variant type: single nucleotide variant.
Coding change: c.3341A>G on transcript NM_004187.5 (MANE Select); coding-DNA position 3341, A replaced by G.
Protein change: p.Lys1114Arg; replaces lysine 1114 with arginine.
Molecular consequence: missense variant. On other transcripts: non-coding transcript variant (3).
Genome position (GRCh38, 1-based): chrX:53,195,028, T>C on the plus strand (A>G on the coding strand, the complement: KDM5C is on the minus strand). VCF-style: chrX-53195028-T-C. GRCh37 (hg19) VCF-style: chrX-53224210-T-C.
Other names: c.3140A>G, p.Lys1047Arg (NM_001146702.2); c.3338A>G, p.Lys1113Arg (NM_001282622.3, NM_001353979.2, NM_001353982.2); c.3341A>G, p.Lys1114Arg (NM_001353978.3, NM_001353981.2, NM_001353984.2); short protein forms K1113R, K1047R, K1114R.
Identifiers: ClinVar variation 4738336 (VCV004738336.1).
Genomic context (GRCh38, chrX:53,195,028, plus strand): 5'-CCCAGCAGCTCTGTGTCAGATTTGTACAACCCCAGCTCCTTCTCCATCCACCGGCTGCGC[T>C]TGGTGCTGTCTGAGCCGGCATCTGCACATGGGCAGAGAACCTGGGGCAGGCAGACAAGAG-3'
Protein context (NP_004178.2, residues 1104-1124): PCADAGSDST[Lys1114Arg]RSRWMEKELG